The following is an entry in ClinVar:

ClinVar aggregate classification (germline): Pathogenic (1 of 4 stars; one submission).

Conditions:
Immunodeficiency-centromeric instability-facial anomalies syndrome 2 (ICF2). Identifiers: Orphanet 2268, MedGen C3279748, MONDO:0013553, OMIM 614069.

Allele frequency attached by ClinVar (database versions not stated): TOPMed below 0.00001.

Submission:

Labcorp Genetics (formerly Invitae), Labcorp
Classification: Pathogenic for Immunodeficiency-centromeric instability-facial anomalies syndrome 2. Last evaluated: 2023-04-08. Review status: criteria provided, single submitter. Criteria: Invitae Variant Classification Sherloc (09022015). Collection method: clinical testing. Allele origin: germline.
Comment: This sequence change creates a premature translational stop signal (p.Lys263*) in the ZBTB24 gene. It is expected to result in an absent or disrupted protein product. Loss-of-function variants in ZBTB24 are known to be pathogenic (PMID: 21596365). This variant is not present in population databases (gnomAD no frequency). This premature translational stop signal has been observed in individual(s) with immunodeficiency, centromeric instability and facial anomalies (ICF) (PMID: 23739126). For these reasons, this variant has been classified as Pathogenic.

Literature cited by the submitters: PubMed 21596365; PubMed 23739126.

NM_014797.3(ZBTB24):c.787A>T (p.Lys263Ter)

Gene: ZBTB24 (zinc finger and BTB domain containing 24; minus strand). Cytogenetic location: 6q21.
Variant type: single nucleotide variant.
Coding change: c.787A>T on transcript NM_014797.3 (MANE Select); coding-DNA position 787, A replaced by T.
Protein change: p.Lys263Ter; replaces lysine 263 with a stop codon.
Molecular consequence: nonsense.
Genome position (GRCh38, 1-based): chr6:109,481,240, T>A on the plus strand (A>T on the coding strand, the complement: ZBTB24 is on the minus strand). VCF-style: chr6-109481240-T-A. GRCh37 (hg19) VCF-style: chr6-109802443-T-A.
Other names: c.787A>T, p.Lys263Ter (NM_001164313.2); short protein forms K263*.
Identifiers: ClinVar variation 2734924 (VCV002734924.3), dbSNP rs1378940472, ClinGen allele CA365208163.